The following is an entry in ClinVar:

NM_001008212.2(OPTN):c.1468G>A (p.Glu490Lys)

Gene: OPTN (optineurin; plus strand). Cytogenetic location: 10p13.
Variant type: single nucleotide variant.
Coding change: c.1468G>A on transcript NM_001008212.2 (MANE Select); coding-DNA position 1468, G replaced by A.
Protein change: p.Glu490Lys; replaces glutamic acid 490 with lysine.
Molecular consequence: missense variant.
Genome position (GRCh38, 1-based): chr10:13,132,133, G>A. VCF-style: chr10-13132133-G-A. GRCh37 (hg19) VCF-style: chr10-13174133-G-A.
Other names: c.1468G>A, p.Glu490Lys (NM_001008211.1, NM_001008213.1, NM_021980.4); short protein forms E490K.
Identifiers: ClinVar variation 2181776 (VCV002181776.4), dbSNP rs771943938, ClinGen allele CA5410974.

ClinVar aggregate classification (germline): Uncertain significance (1 of 4 stars; one submission).

Conditions:
Primary open angle glaucoma (POAG). Also called: OPTN-related open angle glaucoma. Identifiers: MedGen C0339573, MONDO:0100553, OMIM 137760.
Amyotrophic lateral sclerosis type 12 (ALS12). Also called: AMYOTROPHIC LATERAL SCLEROSIS 12 WITH OR WITHOUT FRONTOTEMPORAL DEMENTIA. Identifiers: Orphanet 803, MedGen C3150692, MONDO:0013264, OMIM 613435.
Glaucoma 1, open angle, E. Identifiers: MedGen C1842026, MONDO:0007665.

Allele frequency attached by ClinVar (database versions not stated): gnomAD exomes below 0.00001; TOPMed below 0.00001; ExAC 0.00001; gnomAD 0.00001.
gnomAD v4.1: 3 of 1,613,706 alleles (0.00019%); highest among the groups gnomAD compares: Admixed American, 0.0017%; no homozygotes.

Submission:

Labcorp Genetics (formerly Invitae), Labcorp
Classification: Uncertain significance for Primary open angle glaucoma; Glaucoma 1, open angle, E; Amyotrophic lateral sclerosis type 12. Last evaluated: 2022-06-18. Review status: criteria provided, single submitter. Criteria: Invitae Variant Classification Sherloc (09022015). Collection method: clinical testing. Allele origin: germline.
Comment: In summary, the available evidence is currently insufficient to determine the role of this variant in disease. Therefore, it has been classified as a Variant of Uncertain Significance. Algorithms developed to predict the effect of missense changes on protein structure and function are either unavailable or do not agree on the potential impact of this missense change (SIFT: "Deleterious"; PolyPhen-2: "Probably Damaging"; Align-GVGD: "Class C15"). This sequence change replaces glutamic acid, which is acidic and polar, with lysine, which is basic and polar, at codon 490 of the OPTN protein (p.Glu490Lys). This variant is present in population databases (rs771943938, gnomAD 0.003%). This variant has not been reported in the literature in individuals affected with OPTN-related conditions.